The following is an entry in ClinVar:

NM_000179.3(MSH6):c.3498G>C (p.Arg1166Ser)

Gene: MSH6 (mutS homolog 6; plus strand). Cytogenetic location: 2p16.3.
Variant type: single nucleotide variant.
Coding change: c.3498G>C on transcript NM_000179.3 (MANE Select); coding-DNA position 3498, G replaced by C.
Protein change: p.Arg1166Ser; replaces arginine 1166 with serine.
Molecular consequence: missense variant.
Genome position (GRCh38, 1-based): chr2:47,804,969, G>C. VCF-style: chr2-47804969-G-C. GRCh37 (hg19) VCF-style: chr2-48032108-G-C.
Other names: c.3108G>C, p.Arg1036Ser (NM_001281492.2); c.2592G>C, p.Arg864Ser (NM_001281493.2, NM_001281494.2); short protein forms R1166S, R864S, R1036S.
Identifiers: ClinVar variation 525734 (VCV000525734.9), dbSNP rs1553332214, ClinGen allele CA346760164.
Genomic context (GRCh38, chr2:47,804,969, plus strand): 5'-GGCTGGCTTATTAGCTGTAATGGCCCAGATGGGTTGTTACGTCCCTGCTGAAGTGTGCAG[G>C]CTCACACCAATTGATAGAGTGTTTACTAGACTTGGTGCCTCAGACAGAATAATGTCAGGT-3'
Protein context (NP_000170.1, residues 1156-1176): MGCYVPAEVC[Arg1166Ser]LTPIDRVFTR

ClinVar aggregate classification (germline): Uncertain significance (1 of 4 stars; one submission).

Conditions:
Hereditary nonpolyposis colorectal neoplasms. Identifiers: MedGen C0009405, MeSH D003123.

Allele frequency attached by ClinVar (database versions not stated): gnomAD exomes below 0.00001.
gnomAD v4.1: 3 of 1,614,110 alleles (0.00019%); highest among the groups gnomAD compares: Non-Finnish European, 0.00025%; no homozygotes.

Submission:

Labcorp Genetics (formerly Invitae), Labcorp
Classification: Uncertain significance for Hereditary nonpolyposis colorectal neoplasms. Last evaluated: 2017-10-03. Review status: criteria provided, single submitter. Criteria: Invitae Variant Classification Sherloc (09022015). Collection method: clinical testing. Allele origin: germline.
Comment: This sequence change replaces arginine with serine at codon 1166 of the MSH6 protein (p.Arg1166Ser). The arginine residue is highly conserved and there is a moderate physicochemical difference between arginine and serine. This variant is not present in population databases (ExAC no frequency). This variant has not been reported in the literature in individuals with MSH6-related disease. Algorithms developed to predict the effect of missense changes on protein structure and function output the following: SIFT: "Tolerated"; PolyPhen-2: "Benign"; Align-GVGD: "Class C0". The serine amino acid residue is found in multiple mammalian species, suggesting that this missense change does not adversely affect protein function. These predictions have not been confirmed by published functional studies and their clinical significance is uncertain. In summary, the available evidence is currently insufficient to determine the role of this variant in disease. Therefore, it has been classified as a Variant of Uncertain Significance.